The following is an entry in ClinVar:

ClinVar aggregate classification (germline): Conflicting classifications of pathogenicity. Review status: criteria provided, conflicting classifications (1 of 4 stars). 6 submissions from 2 submitters: Uncertain significance (5); Likely benign (1). Last evaluated 2025-06-26.

Conditions:
CEP290-related disorder. Also called: CEP290-related disorders; CEP290-related condition. Identifiers: MedGen CN239314.
Bardet-Biedl syndrome 14 (BBS14). Identifiers: Orphanet 110, MedGen C2673874, MONDO:0014442, OMIM 615991.
Meckel syndrome, type 4 (MKS4). Also called: MECKEL-GRUBER SYNDROME, TYPE 4. Identifiers: Orphanet 564, MedGen C1970161, MONDO:0012626, OMIM 611134.
Leber congenital amaurosis 10 (LCA10). Identifiers: Orphanet 65, MedGen C1857821, MONDO:0012723, OMIM 611755.
Senior-Loken syndrome 6 (SLSN6). Identifiers: Orphanet 3156, MedGen C1857779, MONDO:0012433, OMIM 610189.
Joubert syndrome 5 (JBTS5). Identifiers: Orphanet 2318, MedGen C1857780, MONDO:0012432, OMIM 610188.

Submissions (6):

PreventionGenetics, part of Exact Sciences
Classification: Likely benign for CEP290-related condition. Last evaluated: 2025-06-26. Review status: criteria provided, single submitter. Criteria: ACMG Guidelines, 2015. Collection method: clinical testing. Allele origin: germline.
Comment: This variant is classified as likely benign based on ACMG/AMP sequence variant interpretation guidelines (Richards et al. 2015 PMID: 25741868, with internal and published modifications).

Illumina Laboratory Services, Illumina
Classification: Uncertain significance for Bardet-Biedl syndrome 14. Last evaluated: 2018-01-13. Review status: criteria provided, single submitter. Criteria: ICSL Variant Classification Criteria 13 December 2019. Collection method: clinical testing. Allele origin: germline.

Illumina Laboratory Services, Illumina
Classification: Uncertain significance for Senior-Loken syndrome 6. Last evaluated: 2018-01-13. Review status: criteria provided, single submitter. Criteria: ICSL Variant Classification Criteria 13 December 2019. Collection method: clinical testing. Allele origin: germline.

Illumina Laboratory Services, Illumina
Classification: Uncertain significance for Meckel syndrome, type 4. Last evaluated: 2018-01-13. Review status: criteria provided, single submitter. Criteria: ICSL Variant Classification Criteria 13 December 2019. Collection method: clinical testing. Allele origin: germline.

Illumina Laboratory Services, Illumina
Classification: Uncertain significance for Joubert syndrome 5. Last evaluated: 2018-01-13. Review status: criteria provided, single submitter. Criteria: ICSL Variant Classification Criteria 13 December 2019. Collection method: clinical testing. Allele origin: germline.

Illumina Laboratory Services, Illumina
Classification: Uncertain significance for Leber congenital amaurosis 10. Last evaluated: 2018-01-13. Review status: criteria provided, single submitter. Criteria: ICSL Variant Classification Criteria 13 December 2019. Collection method: clinical testing. Allele origin: germline.

NM_025114.4(CEP290):c.942+6T>G

Gene: CEP290 (centrosomal protein 290; minus strand). Cytogenetic location: 12q21.32.
Variant type: single nucleotide variant.
Coding change: c.942+6T>G on transcript NM_025114.4 (MANE Select); 6 bases into the intron after coding-DNA position 942, T replaced by G.
Molecular consequence: intron variant.
Genome position (GRCh38, 1-based): chr12:88,128,940, A>C on the plus strand (T>G on the coding strand, the complement: CEP290 is on the minus strand). VCF-style: chr12-88128940-A-C. GRCh37 (hg19) VCF-style: chr12-88522717-A-C.
Identifiers: ClinVar variation 310622 (VCV000310622.6), dbSNP rs886049884, ClinGen allele CA10643430.